The following is an entry in ClinVar:

ClinVar aggregate classification (germline): Uncertain significance. Review status: criteria provided, multiple submitters, no conflicts (2 of 4 stars). 2 submissions from 2 submitters: Uncertain significance (2). Last evaluated 2022-11-17.

Conditions:
Hereditary cancer-predisposing syndrome. Also called: Neoplastic Syndromes, Hereditary; Hereditary Cancer Syndrome; Tumor predisposition; Hereditary neoplastic syndrome. Identifiers: Orphanet 140162, MedGen C0027672, MeSH D009386, MONDO:0015356.
Renal cell carcinoma. Identifiers: Orphanet 217071, MedGen C0007134, MeSH D002292, MONDO:0005086, HP:0005584.

Submissions (2):

Ambry Genetics
Classification: Uncertain significance for Hereditary cancer-predisposing syndrome. Last evaluated: 2022-11-17. Review status: criteria provided, single submitter. Criteria: Ambry Variant Classification Scheme 2023. Collection method: clinical testing. Allele origin: germline.
Comment: The p.F16C variant (also known as c.47T>G), located in coding exon 1 of the MET gene, results from a T to G substitution at nucleotide position 47. The phenylalanine at codon 16 is replaced by cysteine, an amino acid with highly dissimilar properties. This amino acid position is conserved. In addition, this alteration is predicted to be tolerated by in silico analysis. Since supporting evidence is limited at this time, the clinical significance of this alteration remains unclear.

Labcorp Genetics (formerly Invitae), Labcorp
Classification: Uncertain significance for Renal cell carcinoma. Last evaluated: 2022-04-17. Review status: criteria provided, single submitter. Criteria: Invitae Variant Classification Sherloc (09022015). Collection method: clinical testing. Allele origin: germline.
Comment: This variant is not present in population databases (gnomAD no frequency). In summary, the available evidence is currently insufficient to determine the role of this variant in disease. Therefore, it has been classified as a Variant of Uncertain Significance. Algorithms developed to predict the effect of missense changes on protein structure and function are either unavailable or do not agree on the potential impact of this missense change (SIFT: "Tolerated"; PolyPhen-2: "Possibly Damaging"; Align-GVGD: "Class C0"). This variant has not been reported in the literature in individuals affected with MET-related conditions. This sequence change replaces phenylalanine, which is neutral and non-polar, with cysteine, which is neutral and slightly polar, at codon 16 of the MET protein (p.Phe16Cys).

NM_000245.4(MET):c.47T>G (p.Phe16Cys)

Gene: MET (MET proto-oncogene, receptor tyrosine kinase; plus strand). Cytogenetic location: 7q31.2.
Variant type: single nucleotide variant.
Coding change: c.47T>G on transcript NM_000245.4 (MANE Select); coding-DNA position 47, T replaced by G.
Protein change: p.Phe16Cys; replaces phenylalanine 16 with cysteine.
Molecular consequence: missense variant. On other transcripts: intron variant (1).
Genome position (GRCh38, 1-based): chr7:116,699,131, T>G. VCF-style: chr7-116699131-T-G. GRCh37 (hg19) VCF-style: chr7-116339185-T-G.
Other names: c.47T>G, p.Phe16Cys (NM_001127500.3, NM_001324401.3); c.-91+26554T>G (NM_001324402.2); short protein forms F16C.
Identifiers: ClinVar variation 2154734 (VCV002154734.6), dbSNP rs2485504670, ClinGen allele CA368968224.